The following is an entry in ClinVar:

ClinVar aggregate classification (germline): Uncertain significance (1 of 4 stars; one submission).

Conditions:
Cryopyrin associated periodic syndrome (CAPS). Identifiers: Orphanet 208650, MedGen C2316212, MONDO:0016168.

Submission:

Labcorp Genetics (formerly Invitae), Labcorp
Classification: Uncertain significance for Cryopyrin associated periodic syndrome. Last evaluated: 2024-01-04. Review status: criteria provided, single submitter. Criteria: Invitae Variant Classification Sherloc (09022015). Collection method: clinical testing. Allele origin: germline.
Comment: This sequence change replaces histidine, which is basic and polar, with glutamine, which is neutral and polar, at codon 685 of the NLRP3 protein (p.His685Gln). This variant is not present in population databases (gnomAD no frequency). This variant has not been reported in the literature in individuals affected with NLRP3-related conditions. Advanced modeling of protein sequence and biophysical properties (such as structural, functional, and spatial information, amino acid conservation, physicochemical variation, residue mobility, and thermodynamic stability) has been performed at Invitae for this missense variant, however the output from this modeling did not meet the statistical confidence thresholds required to predict the impact of this variant on NLRP3 protein function. In summary, the available evidence is currently insufficient to determine the role of this variant in disease. Therefore, it has been classified as a Variant of Uncertain Significance.

NM_001243133.2(NLRP3):c.2049T>G (p.His683Gln)

Gene: NLRP3 (NLR family pyrin domain containing 3; plus strand). Cytogenetic location: 1q44.
Variant type: single nucleotide variant.
Coding change: c.2049T>G on transcript NM_001243133.2 (MANE Select); coding-DNA position 2049, T replaced by G.
Protein change: p.His683Gln; replaces histidine 683 with glutamine.
Molecular consequence: missense variant.
Genome position (GRCh38, 1-based): chr1:247,425,498, T>G. VCF-style: chr1-247425498-T-G. GRCh37 (hg19) VCF-style: chr1-247588800-T-G.
Other names: c.2049T>G, p.His683Gln (NM_001079821.3, NM_001127461.3, NM_001127462.3 and 1 more transcripts); c.2055T>G, p.His685Gln (NM_004895.5); short protein forms H683Q, H685Q.
Identifiers: ClinVar variation 2707394 (VCV002707394.3), dbSNP rs2527278502, ClinGen allele CA345558545.